The following is an entry in ClinVar:

NM_033310.3(KCNK4):c.1048T>A (p.Ser350Thr)

Genes: KCNK4 (potassium two pore domain channel subfamily K member 4; plus strand), KCNK4-CATSPERZ (KCNK4-CATSPERZ readthrough (NMD candidate); plus strand). Cytogenetic location: 11q13.1.
Variant type: single nucleotide variant.
Coding change: c.1048T>A on transcript NM_033310.3 (MANE Select); coding-DNA position 1048, T replaced by A.
Protein change: p.Ser350Thr; replaces serine 350 with threonine.
Molecular consequence: missense variant. On other transcripts: non-coding transcript variant (3).
Genome position (GRCh38, 1-based): chr11:64,299,592, T>A. VCF-style: chr11-64299592-T-A. GRCh37 (hg19) VCF-style: chr11-64067064-T-A.
Other names: c.1048T>A, p.Ser350Thr (NM_001317090.2); short protein forms S350T.
Identifiers: ClinVar variation 4764987 (VCV004764987.1).
Genomic context (GRCh38, chr11:64,299,592, plus strand): 5'-TCCCCGCCCACGGCCTCGGCCCTGGATTATCCCAGCGAGAACCTGGCCTTCATCGACGAG[T>A]CCTCGGATACGCAGAGCGAGCGCGGCTGCCCGCTGCCCCGCGCGCCGAGAGGTCGCCGCC-3'
Protein context (NP_201567.1, residues 340-360): PSENLAFIDE[Ser350Thr]SDTQSERGCP

ClinVar aggregate classification (germline): Uncertain significance (1 of 4 stars; one submission).

gnomAD v4.1: 3 of 1,609,444 alleles (0.00019%); highest among the groups gnomAD compares: Non-Finnish European, 0.00025%; no homozygotes.

Submission:

Labcorp Genetics (formerly Invitae), Labcorp
Classification: Uncertain significance. Last evaluated: 2025-06-10. Review status: criteria provided, single submitter. Criteria: Invitae Variant Classification Sherloc (09022015). Collection method: clinical testing. Allele origin: germline.
Comment: This sequence change replaces serine, which is neutral and polar, with threonine, which is neutral and polar, at codon 350 of the KCNK4 protein (p.Ser350Thr). This variant is not present in population databases (gnomAD no frequency). This variant has not been reported in the literature in individuals affected with KCNK4-related conditions. An algorithm developed to predict the effect of missense changes on protein structure and function (PolyPhen-2) suggests that this variant is likely to be disruptive. In summary, the available evidence is currently insufficient to determine the role of this variant in disease. Therefore, it has been classified as a Variant of Uncertain Significance.